The following is an entry in ClinVar:

ClinVar aggregate classification (germline): Likely benign. Review status: criteria provided, multiple submitters, no conflicts (2 of 4 stars). 2 submissions from 2 submitters: Likely benign (2). Last evaluated 2026-08-26.

Conditions:
SAG-related disorder. Also called: SAG-related condition; SAG-related disorders.

Allele frequency attached by ClinVar (database versions not stated): ESP Exome Variant Server 0.00008.
gnomAD v4.1: 41 of 1,613,800 alleles (0.0025%); highest among the groups gnomAD compares: East Asian, 0.0045%; no homozygotes.

Submissions (2):

PreventionGenetics, part of Exact Sciences
Classification: Likely benign for SAG-related condition. Last evaluated: 2026-08-26. Review status: criteria provided, single submitter. Criteria: ACMG Guidelines, 2015. Collection method: clinical testing. Allele origin: germline.
Comment: This variant is classified as likely benign based on ACMG/AMP sequence variant interpretation guidelines (Richards et al. 2015 PMID: 25741868, with internal and published modifications).

Labcorp Genetics (formerly Invitae), Labcorp
Classification: Likely benign. Last evaluated: 2022-03-13. Review status: criteria provided, single submitter. Criteria: Invitae Variant Classification Sherloc (09022015). Collection method: clinical testing. Allele origin: germline.

NM_000541.5(SAG):c.969C>T (p.Thr323=)

Gene: SAG (S-antigen visual arrestin; plus strand). Cytogenetic location: 2q37.1.
Variant type: single nucleotide variant.
Coding change: c.969C>T on transcript NM_000541.5 (MANE Select); coding-DNA position 969, C replaced by T.
Protein change: p.Thr323=; no amino-acid change (threonine 323 retained).
Molecular consequence: synonymous variant.
Genome position (GRCh38, 1-based): chr2:233,338,700, C>T. VCF-style: chr2-233338700-C-T. GRCh37 (hg19) VCF-style: chr2-234247346-C-T.
Other names: c.969C>T (NM_000541.4).
Identifiers: ClinVar variation 1119862 (VCV001119862.11), dbSNP rs370127904, ClinGen allele CA2174603.